The following is an entry in ClinVar:

ClinVar aggregate classification (germline): Uncertain significance (1 of 4 stars; one submission).

Conditions:
Generalized epilepsy-paroxysmal dyskinesia syndrome (PNKD3). Also called: Generalized epilepsy and paroxysmal dyskinesia; Paroxysmal nonkinesigenic dyskinesia, 3, with or without generalized epilepsy. Identifiers: Orphanet 79137, MedGen C5574945, MONDO:0012276, OMIM 609446.

Submission:

Labcorp Genetics (formerly Invitae), Labcorp
Classification: Uncertain significance for Generalized epilepsy-paroxysmal dyskinesia syndrome. Last evaluated: 2025-10-23. Review status: criteria provided, single submitter. Criteria: Invitae Variant Classification Sherloc (09022015). Collection method: clinical testing. Allele origin: germline.
Comment: This variant, c.55_60dup, results in the insertion of 2 amino acid(s) of the KCNMA1 protein (p.Gly19_Gly20dup), but otherwise preserves the integrity of the reading frame. This variant is present in population databases (no rsID available, gnomAD 0.01%). This variant has not been reported in the literature in individuals affected with KCNMA1-related conditions. ClinVar contains an entry for this variant (Variation ID: 951436). Experimental studies and prediction algorithms are not available or were not evaluated, and the functional significance of this variant is currently unknown. In summary, the available evidence is currently insufficient to determine the role of this variant in disease. Therefore, it has been classified as a Variant of Uncertain Significance.

NM_001161352.2(KCNMA1):c.55_60dup (p.Gly19_Gly20dup)

Gene: KCNMA1 (potassium calcium-activated channel subfamily M alpha 1; minus strand). Cytogenetic location: 10q22.3.
Variant type: Duplication.
Coding change: c.55_60dup on transcript NM_001161352.2 (MANE Select); coding-DNA positions 55 to 60, 6 bases duplicated (GGAGGC; older notation c.55_60dupGGAGGC).
Protein change: p.Gly19_Gly20dup.
Molecular consequence: inframe insertion.
Genome position (GRCh38, 1-based): chr10:77,637,583-77,637,588, GCCTCC duplicated on the plus strand (GGAGGC on the coding strand, the reverse complement: KCNMA1 is on the minus strand); duplicating any 6 consecutive bases within chr10:77,637,583-77,637,591 gives the same sequence; the c. name uses the placement nearest the transcript's 3' end. VCF-style (leftmost placement, unchanged base first): chr10-77637582-T-TGCCTCC. GRCh37 (hg19) VCF-style: chr10-79397340-T-TGCCTCC.
Other names: c.55_60dup, p.Gly19_Gly20dup (NM_001014797.3, NM_001161353.2, NM_001271518.2 and 12 more transcripts).
Identifiers: ClinVar variation 951436 (VCV000951436.10), dbSNP rs1350200278, ClinGen allele CA594712746.